The following is an entry in ClinVar:

ClinVar aggregate classification (germline): Uncertain significance. Review status: criteria provided, multiple submitters, no conflicts (2 of 4 stars). 2 submissions from 2 submitters: Uncertain significance (2). Last evaluated 2025-04-10.

Conditions:
Inborn genetic diseases. Identifiers: MedGen C0950123, MeSH D030342.
Hyperaldosteronism, familial, type IV (HALD4). Also called: FH IV; ALDOSTERONISM, PRIMARY, AND HYPERTENSION. Identifiers: Orphanet 642671, MedGen C4310756, MONDO:0014875, OMIM 617027.
Idiopathic generalized epilepsy. Also called: Generalised epilepsy; EIG. Identifiers: MedGen C0270850, MONDO:0005579, OMIM 600669.

Allele frequency attached by ClinVar (database versions not stated): gnomAD 0.00002; TOPMed 0.00002.
gnomAD v4.1: 4 of 1,555,288 alleles (0.00026%); highest among the groups gnomAD compares: Admixed American, 0.0058%; no homozygotes.

Submissions (2):

Ambry Genetics
Classification: Uncertain significance for Inborn genetic diseases. Last evaluated: 2025-04-10. Review status: criteria provided, single submitter. Criteria: Ambry Variant Classification Scheme 2023. Collection method: clinical testing. Allele origin: germline.

Labcorp Genetics (formerly Invitae), Labcorp
Classification: Uncertain significance for Idiopathic generalized epilepsy; Hyperaldosteronism, familial, type IV. Last evaluated: 2022-09-28. Review status: criteria provided, single submitter. Criteria: Invitae Variant Classification Sherloc (09022015). Collection method: clinical testing. Allele origin: germline.
Comment: In summary, the available evidence is currently insufficient to determine the role of this variant in disease. Therefore, it has been classified as a Variant of Uncertain Significance. Advanced modeling of protein sequence and biophysical properties (such as structural, functional, and spatial information, amino acid conservation, physicochemical variation, residue mobility, and thermodynamic stability) performed at Invitae indicates that this missense variant is not expected to disrupt CACNA1H protein function. This variant has not been reported in the literature in individuals affected with CACNA1H-related conditions. This variant is not present in population databases (gnomAD no frequency). This sequence change replaces alanine, which is neutral and non-polar, with serine, which is neutral and polar, at codon 1151 of the CACNA1H protein (p.Ala1151Ser).

NM_021098.3(CACNA1H):c.3451G>T (p.Ala1151Ser)

Gene: CACNA1H (calcium voltage-gated channel subunit alpha1 H; plus strand). Cytogenetic location: 16p13.3.
Variant type: single nucleotide variant.
Coding change: c.3451G>T on transcript NM_021098.3 (MANE Select); coding-DNA position 3451, G replaced by T.
Protein change: p.Ala1151Ser; replaces alanine 1151 with serine.
Molecular consequence: missense variant.
Genome position (GRCh38, 1-based): chr16:1,209,119, G>T. VCF-style: chr16-1209119-G-T. GRCh37 (hg19) VCF-style: chr16-1259119-G-T.
Other names: c.3451G>T (NM_021098.2); c.3451G>T, p.Ala1151Ser (NM_001005407.2); short protein forms A1151S.
Identifiers: ClinVar variation 2055227 (VCV002055227.5), dbSNP rs1397952199, ClinGen allele CA394173547.